The following is an entry in ClinVar:

ClinVar aggregate classification (germline): Uncertain significance (1 of 4 stars; one submission).

Conditions:
Cystinuria (CSNU). Also called: CYSTINURIA, TYPE I; CYSTINURIA, TYPE II; CYSTINURIA, TYPE III; Cystinuria, non-type I. Identifiers: Orphanet 214, MedGen C0010691, MONDO:0009067, OMIM 220100, HP:0003131.

Allele frequency attached by ClinVar (database versions not stated): TOPMed 0.00001.

Submission:

College of Medicine Research Centre, King Saud Univeristy
Classification: Uncertain significance for Cystinuria. Last evaluated: 2020-01-30. Review status: criteria provided, single submitter. Criteria: ACMG Guidelines, 2015. Collection method: clinical testing. Allele origin: inherited. Inheritance: Autosomal recessive inheritance. Affected: yes. Observed: 1 homozygote.
Comment: The effect of the SLC3A1 variant c.1617+1097T>A is unknown. It is classified as a variant of uncertain significance (class 3) according to the recommendations of ACMG guidelines.

NM_000341.4(SLC3A1):c.1617+1097T>A

Gene: SLC3A1 (solute carrier family 3 member 1; plus strand). Cytogenetic location: 2p21.
Variant type: single nucleotide variant.
Coding change: c.1617+1097T>A on transcript NM_000341.4 (MANE Select); 1097 bases into the intron after coding-DNA position 1617, T replaced by A.
Molecular consequence: intron variant.
Genome position (GRCh38, 1-based): chr2:44,315,048, T>A. VCF-style: chr2-44315048-T-A. GRCh37 (hg19) VCF-style: chr2-44542187-T-A.
Other names: rs868118842.
Identifiers: ClinVar variation 978420 (VCV000978420.3), dbSNP rs868118842, ClinGen allele CA46514554.